The following is an entry in ClinVar:

ClinVar aggregate classification (germline): Uncertain significance (1 of 4 stars; one submission).

Conditions:
Hydrocephalus, nonsyndromic, autosomal recessive 1 (HYC1). Also called: Hydrocephalus, nonsyndromic, autosomal recessive; Congenital hydrocephalus 1. Identifiers: Orphanet 2185, MedGen C3887608, MONDO:0009360, OMIM 236600.

gnomAD v4.1: 3 of 1,611,100 alleles (0.00019%); highest among the groups gnomAD compares: Admixed American, 0.0017%; no homozygotes.

Submission:

Myriad Genetics, Inc.
Classification: Uncertain significance for Hydrocephalus, nonsyndromic, autosomal recessive 1. Last evaluated: 2026-02-05. Review status: criteria provided, single submitter. Criteria: Myriad Autosomal Dominant, Autosomal Recessive and X-Linked Classification Criteria (2023). Collection method: clinical testing. Allele origin: unknown.
Comment: NM_001080414.3(CCDC88C):c.6066G>A(W2022*) is a nonsense variant classified as a variant of uncertain significance in the context of congenital hydrocephalus, CCDC88C-related. W2022* has not been observed in cases with relevant disease. Relevant functional assessments of this variant are not available in the literature. W2022* has not been observed in referenced population frequency databases. In summary, there is insufficient evidence to classify NM_001080414.3(CCDC88C):c.6066G>A(W2022*) as pathogenic or benign. Please note: this variant was assessed in the context of healthy population screening.

NM_001080414.4(CCDC88C):c.6066G>A (p.Trp2022Ter)

Gene: CCDC88C (coiled-coil and HOOK domain protein 88C; minus strand). Cytogenetic location: 14q32.11.
Variant type: single nucleotide variant.
Coding change: c.6066G>A on transcript NM_001080414.4 (MANE Select); coding-DNA position 6066, G replaced by A.
Protein change: p.Trp2022Ter; replaces tryptophan 2022 with a stop codon.
Molecular consequence: nonsense. On other transcripts: non-coding transcript variant (2).
Genome position (GRCh38, 1-based): chr14:91,272,646, C>T on the plus strand (G>A on the coding strand, the complement: CCDC88C is on the minus strand). VCF-style: chr14-91272646-C-T. GRCh37 (hg19) VCF-style: chr14-91738990-C-T.
Other names: short protein forms W2022*.
Identifiers: ClinVar variation 5004452 (VCV005004452.1).